The following is an entry in ClinVar:

ClinVar aggregate classification (germline): Likely pathogenic (1 of 4 stars; one submission).

Submission:

Labcorp Genetics (formerly Invitae), Labcorp
Classification: Likely pathogenic. Last evaluated: 2024-10-17. Review status: criteria provided, single submitter. Criteria: Invitae Variant Classification Sherloc (09022015). Collection method: clinical testing. Allele origin: germline.
Comment: This sequence change affects an acceptor splice site in intron 39 of the HSPG2 gene. It is expected to disrupt RNA splicing. Variants that disrupt the donor or acceptor splice site typically lead to a loss of protein function (PMID: 16199547), and loss-of-function variants in HSPG2 are known to be pathogenic (PMID: 11279527, 16927315, 20542149, 23836246). This variant is not present in population databases (gnomAD no frequency). This variant has not been reported in the literature in individuals affected with HSPG2-related conditions. Algorithms developed to predict the effect of sequence changes on RNA splicing suggest that this variant may disrupt the consensus splice site. In summary, the currently available evidence indicates that the variant is pathogenic, but additional data are needed to prove that conclusively. Therefore, this variant has been classified as Likely Pathogenic.

Literature cited by the submitters: PubMed 16199547; PubMed 11279527; PubMed 16927315; PubMed 20542149; PubMed 23836246.

NM_005529.7(HSPG2):c.4956-2A>T

Gene: HSPG2 (heparan sulfate proteoglycan 2; minus strand). Cytogenetic location: 1p36.12.
Variant type: single nucleotide variant.
Coding change: c.4956-2A>T on transcript NM_005529.7 (MANE Select); the canonical splice acceptor site of the intron before coding-DNA position 4956, A replaced by T.
Molecular consequence: splice acceptor variant.
Genome position (GRCh38, 1-based): chr1:21,860,237, T>A on the plus strand (A>T on the coding strand, the complement: HSPG2 is on the minus strand). VCF-style: chr1-21860237-T-A. GRCh37 (hg19) VCF-style: chr1-22186730-T-A.
Other names: c.4959-2A>T (NM_001291860.2).
Identifiers: ClinVar variation 3632411 (VCV003632411.2).
Genomic context (GRCh38, chr1:21,860,237, plus strand): 5'-TCTCTGGCAGGCACTGGCCCCCTTGCACACTGGGGTTACCCACGTAACCTGGGCCACACC[T>A]GTAAGGGGGAACAAGGGCCGGCAATGTCAGGCCTCAAGGGCCCCAGTGCCTCATGGTGGA-3'